The following is an entry in ClinVar:

ClinVar aggregate classification (germline): Likely benign. Review status: criteria provided, single submitter (1 of 4 stars). 2 submissions from 2 submitters: Likely benign (1). 1 of the submissions does not count toward it. Last evaluated 2025-06-29.

Conditions:
ALG9-related disorder. Also called: ALG9-related condition.
ALG9 congenital disorder of glycosylation (CDG1L). Also called: CDG Il; ALG9-CDG; CONGENITAL DISORDER OF GLYCOSYLATION, TYPE Il. Identifiers: Orphanet 79328, MedGen C2931006, MONDO:0012117, OMIM 608776.

Allele frequency attached by ClinVar (database versions not stated): gnomAD exomes 0.00001; gnomAD 0.00007; ESP Exome Variant Server 0.00008; TOPMed 0.00009.
gnomAD v4.1: 34 of 1,614,068 alleles (0.0021%); highest among the groups gnomAD compares: African/African-American, 0.033%; no homozygotes.

Submissions (2):

Labcorp Genetics (formerly Invitae), Labcorp
Classification: Likely benign for ALG9 congenital disorder of glycosylation. Last evaluated: 2025-06-29. Review status: criteria provided, single submitter. Criteria: Invitae Variant Classification Sherloc (09022015). Collection method: clinical testing. Allele origin: germline.

PreventionGenetics, part of Exact Sciences
Classification: Likely benign for ALG9-related condition. Last evaluated: 2019-12-26. Review status: no assertion criteria provided. Collection method: clinical testing. Allele origin: germline. Not counted in ClinVar's aggregate classification.
Comment: This variant is classified as likely benign based on ACMG/AMP sequence variant interpretation guidelines (Richards et al. 2015 PMID: 25741868, with internal and published modifications).

NM_024740.2(ALG9):c.1500G>A (p.Glu500=)

Gene: ALG9 (ALG9 alpha-1,2-mannosyltransferase; minus strand). Cytogenetic location: 11q23.1.
Variant type: single nucleotide variant.
Coding change: c.1500G>A on transcript NM_024740.2 (MANE Select); coding-DNA position 1500, G replaced by A.
Protein change: p.Glu500=; no amino-acid change (glutamic acid 500 retained).
Molecular consequence: synonymous variant. On other transcripts: non-coding transcript variant (1).
Genome position (GRCh38, 1-based): chr11:111,836,267, C>T on the plus strand (G>A on the coding strand, the complement: ALG9 is on the minus strand). VCF-style: chr11-111836267-C-T. GRCh37 (hg19) VCF-style: chr11-111706990-C-T.
Other names: c.1479G>A, p.Glu493= (NM_001077690.1, NM_001352417.1); c.987G>A, p.Glu329= (NM_001077691.2, NM_001352413.1, NM_001352414.2 and 1 more transcripts); c.966G>A, p.Glu322= (NM_001077692.2, NM_001352409.1, NM_001352410.1 and 6 more transcripts); c.1356G>A, p.Glu452= (NM_001352418.1); c.891G>A, p.Glu297= (NM_001352422.2); c.843G>A, p.Glu281= (NM_001352423.2).
Identifiers: ClinVar variation 2149220 (VCV002149220.6), dbSNP rs369596048, ClinGen allele CA228538713.
Genomic context (GRCh38, chr11:111,836,267, plus strand): 5'-AGGAACAATCCGGGTGGCCAGAGGTCCTTCTGCAAAAGGTTTTGGTAACTGACCTCTGAA[C>T]TCTGATGGAATGAACTGAAGCTGCCAACTGTCAGAAACACAAGGAGAATAAGAAAAACAC-3'
Protein context (NP_079016.2, residues 490-510): DNWQLQFIPS[Glu500=]FRGQLPKPFA